The following is an entry in ClinVar:

ClinVar aggregate classification (germline): Uncertain significance (1 of 4 stars; one submission).

Conditions:
Developmental and epileptic encephalopathy, 1 (DEE1). Also called: X-linked infantile spasms; West's syndrome; Tonic spasms with clustering, arrest of psychomotor development and hypsarrhythmia on EEG; X-Linked Infantile Spasm Syndrome; OHTAHARA SYNDROME, X-LINKED; Epileptic encephalopathy, early infantile, 1. Identifiers: MedGen C3463992, MONDO:0010632, OMIM 308350. Disease mechanism: loss of function.
Autosomal dominant nonsyndromic hearing loss 65. Also called: Deafness, autosomal dominant 65; TBC1D24-Related Autosomal Dominant Nonsyndromic Hearing Loss (DFNA). Identifiers: Orphanet 90635, MedGen C3892048, MONDO:0014470, OMIM 616044.

Allele frequency attached by ClinVar (database versions not stated): gnomAD exomes 0.00001; ExAC 0.00002.
gnomAD v4.1: 10 of 1,613,926 alleles (0.00062%); highest among the groups gnomAD compares: East Asian, 0.0022%; no homozygotes.

Submission:

Labcorp Genetics (formerly Invitae), Labcorp
Classification: Uncertain significance for Developmental and epileptic encephalopathy, 1; Autosomal dominant nonsyndromic hearing loss 65. Last evaluated: 2025-10-02. Review status: criteria provided, single submitter. Criteria: Invitae Variant Classification Sherloc (09022015). Collection method: clinical testing. Allele origin: germline.
Comment: This sequence change replaces alanine, which is neutral and non-polar, with valine, which is neutral and non-polar, at codon 210 of the TBC1D24 protein (p.Ala210Val). This variant is present in population databases (rs771442254, gnomAD 0.007%). This variant has not been reported in the literature in individuals affected with TBC1D24-related conditions. ClinVar contains an entry for this variant (Variation ID: 1009734). Invitae Evidence Modeling of protein sequence and biophysical properties (such as structural, functional, and spatial information, amino acid conservation, physicochemical variation, residue mobility, and thermodynamic stability) indicates that this missense variant is not expected to disrupt TBC1D24 protein function with a negative predictive value of 95%. In summary, the available evidence is currently insufficient to determine the role of this variant in disease. Therefore, it has been classified as a Variant of Uncertain Significance.

NM_001199107.2(TBC1D24):c.629C>T (p.Ala210Val)

Gene: TBC1D24 (TBC1 domain family member 24; plus strand). Cytogenetic location: 16p13.3.
Variant type: single nucleotide variant.
Coding change: c.629C>T on transcript NM_001199107.2 (MANE Select); coding-DNA position 629, C replaced by T.
Protein change: p.Ala210Val; replaces alanine 210 with valine.
Molecular consequence: missense variant.
Genome position (GRCh38, 1-based): chr16:2,496,777, C>T. VCF-style: chr16-2496777-C-T. GRCh37 (hg19) VCF-style: chr16-2546778-C-T.
Other names: c.629C>T, p.Ala210Val (NM_020705.3); short protein forms A210V.
Identifiers: ClinVar variation 1009734 (VCV001009734.9), dbSNP rs771442254, ClinGen allele CA7844034.